The following is an entry in ClinVar:

NM_021911.3(GABRB2):c.-156G>A

Gene: GABRB2 (gamma-aminobutyric acid type A receptor subunit beta2; minus strand). Cytogenetic location: 5q34.
Variant type: single nucleotide variant.
Coding change: c.-156G>A on transcript NM_021911.3; 156 bases upstream of the start codon, G replaced by A.
Molecular consequence: 5 prime UTR variant.
Genome position (GRCh38, 1-based): chr5:161,548,062, C>T on the plus strand (G>A on the coding strand, the complement: GABRB2 is on the minus strand). VCF-style: chr5-161548062-C-T. GRCh37 (hg19) VCF-style: chr5-160975068-C-T.
Other names: c.-156G>A (NM_000813.3).
Identifiers: ClinVar variation 507449 (VCV000507449.3), dbSNP rs1294667929, ClinGen allele CA564147084.

ClinVar aggregate classification (germline): Likely benign (1 of 4 stars; one submission).

Allele frequency attached by ClinVar (database versions not stated): gnomAD 0.00003; TOPMed 0.00002.
gnomAD v4.1: 4 of 152,958 alleles (0.0026%); highest among the groups gnomAD compares: African/African-American, 0.0096%; no homozygotes.

Submission:

GeneDx
Classification: Likely benign. Last evaluated: 2017-02-21. Review status: criteria provided, single submitter. Criteria: GeneDx Variant Classification (06012015). Collection method: clinical testing. Allele origin: germline. Affected: yes.
Comment: This variant is considered likely benign or benign based on one or more of the following criteria: it is a conservative change, it occurs at a poorly conserved position in the protein, it is predicted to be benign by multiple in silico algorithms, and/or has population frequency not consistent with disease.